The following is an entry in ClinVar:

NM_001374828.1(ARID1B):c.2548G>A (p.Ala850Thr)

Gene: ARID1B (AT-rich interaction domain 1B; plus strand). Cytogenetic location: 6q25.3.
Variant type: single nucleotide variant.
Coding change: c.2548G>A on transcript NM_001374828.1 (MANE Select); coding-DNA position 2548, G replaced by A.
Protein change: p.Ala850Thr; replaces alanine 850 with threonine.
Molecular consequence: missense variant.
Genome position (GRCh38, 1-based): chr6:157,110,528, G>A. VCF-style: chr6-157110528-G-A. GRCh37 (hg19) VCF-style: chr6-157431662-G-A.
Other names: c.2338G>A, p.Ala780Thr (NM_020732.3); c.49G>A, p.Ala17Thr (NM_001363725.2); c.2587G>A, p.Ala863Thr (NM_001371656.1, NM_001374820.1); c.2548G>A, p.Ala850Thr (NM_017519.3); short protein forms A780T, A17T, A850T, A863T.
Identifiers: ClinVar variation 588749 (VCV000588749.48), dbSNP rs147784000, ClinGen allele CA4067075.
Genomic context (GRCh38, chr6:157,110,528, plus strand): 5'-ACAGGTAGTCAGATGCCTCCGCAGCCACCCGGGAGCCAGTCAGAATCCAGTTCCCATCCC[G>A]CCTTGAGCCAGTCACCAATGCCACAGGAAAGAGGTTCGTCTCCAGTTCATGTCTTACATG-3'
Protein context (NP_001361757.1, residues 840-860): GSQSESSSHP[Ala850Thr]LSQSPMPQER

ClinVar aggregate classification (germline): Benign/Likely benign. Review status: criteria provided, multiple submitters, no conflicts (2 of 4 stars). 7 submissions from 7 submitters: Benign (5); Likely benign (2). Last evaluated 2026-07-01.

Conditions:
Inborn genetic diseases. Identifiers: MedGen C0950123, MeSH D030342.
Coffin-Siris syndrome 1 (CSS1). Also called: Mental retardation, autosomal dominant 12; ARID1B-Related Coffin-Siris Syndrome. Identifiers: Orphanet 1465, MedGen C3281201, MONDO:0007617, OMIM 135900. Disease mechanism: gain of function.

Allele frequency attached by ClinVar (database versions not stated): gnomAD exomes 0.00081; ESP Exome Variant Server 0.00038; gnomAD 0.00066 and 0.00071; ExAC 0.00069; TOPMed 0.00069.
gnomAD v4.1: 876 of 1,614,022 alleles (0.054%); highest among the groups gnomAD compares: Middle Eastern, 0.23%; 3 homozygotes.

Submissions (7):

CeGaT Center for Human Genetics Tuebingen
Classification: Likely benign. Last evaluated: 2026-07-01. Review status: criteria provided, single submitter. Criteria: CeGaT Center For Human Genetics Tuebingen Variant Classification Criteria Version 2. Collection method: clinical testing. Allele origin: germline. Affected: yes. Observed: 6 variant alleles.
Comment: ARID1B: BS1

Labcorp Genetics (formerly Invitae), Labcorp
Classification: Benign. Last evaluated: 2026-01-21. Review status: criteria provided, single submitter. Criteria: Invitae Variant Classification Sherloc (09022015). Collection method: clinical testing. Allele origin: germline.

Blueprint Genetics
Classification: Likely benign. Last evaluated: 2024-11-19. Review status: criteria provided, single submitter. Criteria: ACMG Guidelines, 2015. Collection method: clinical testing. Allele origin: germline.

Genome-Nilou Lab
Classification: Benign for Coffin-Siris syndrome 1. Last evaluated: 2021-07-15. Review status: criteria provided, single submitter. Criteria: ACMG Guidelines, 2015. Collection method: clinical testing. Allele origin: germline. Affected: no.

GeneDx
Classification: Benign. Last evaluated: 2020-11-02. Review status: criteria provided, single submitter. Criteria: GeneDx Variant Classification Process June 2021. Collection method: clinical testing. Allele origin: germline. Affected: yes.

Genetic Services Laboratory, University of Chicago
Classification: Benign. Last evaluated: 2017-09-29. Review status: criteria provided, single submitter. Criteria: ACMG Guidelines, 2015. Collection method: clinical testing. Allele origin: germline. Affected: no.

Ambry Genetics
Classification: Benign for Inborn genetic diseases. Last evaluated: 2017-02-07. Review status: criteria provided, single submitter. Criteria: Ambry Variant Classification Scheme 2023. Collection method: clinical testing. Allele origin: germline.